The following is an entry in ClinVar:

NM_012144.4(DNAI1):c.1312-2A>G

Gene: DNAI1 (dynein axonemal intermediate chain 1; plus strand). Cytogenetic location: 9p13.3.
Variant type: single nucleotide variant.
Coding change: c.1312-2A>G on transcript NM_012144.4 (MANE Select); the canonical splice acceptor site of the intron before coding-DNA position 1312, A replaced by G.
Molecular consequence: splice acceptor variant.
Genome position (GRCh38, 1-based): chr9:34,512,107, A>G. VCF-style: chr9-34512107-A-G. GRCh37 (hg19) VCF-style: chr9-34512105-A-G.
Other names: c.1324-2A>G (NM_001281428.2).
Identifiers: ClinVar variation 1516074 (VCV001516074.8), dbSNP rs1188227820, ClinGen allele CA373259862.

ClinVar aggregate classification (germline): Likely pathogenic (1 of 4 stars; one submission).

Conditions:
Primary ciliary dyskinesia. Also called: Ciliary dyskinesia. Identifiers: Orphanet 244, MedGen C0008780, MONDO:0016575, HP:0012265.

Allele frequency attached by ClinVar (database versions not stated): gnomAD 0.00001.
gnomAD v4.1: 1 of 1,613,918 alleles (0.000062%); highest among the groups gnomAD compares: Non-Finnish European, 0.000085%; no homozygotes.

Submission:

Labcorp Genetics (formerly Invitae), Labcorp
Classification: Likely pathogenic for Primary ciliary dyskinesia. Last evaluated: 2023-12-22. Review status: criteria provided, single submitter. Criteria: Invitae Variant Classification Sherloc (09022015). Collection method: clinical testing. Allele origin: germline.
Comment: This sequence change affects an acceptor splice site in intron 13 of the DNAI1 gene. It is expected to disrupt RNA splicing. Variants that disrupt the donor or acceptor splice site typically lead to a loss of protein function (PMID: 16199547), and loss-of-function variants in DNAI1 are known to be pathogenic (PMID: 16858015, 29363216). This variant is present in population databases (no rsID available, gnomAD 0.007%). This variant has not been reported in the literature in individuals affected with DNAI1-related conditions. ClinVar contains an entry for this variant (Variation ID: 1516074). Algorithms developed to predict the effect of sequence changes on RNA splicing suggest that this variant may disrupt the consensus splice site. In summary, the currently available evidence indicates that the variant is pathogenic, but additional data are needed to prove that conclusively. Therefore, this variant has been classified as Likely Pathogenic.

Literature cited by the submitters: PubMed 16199547; PubMed 16858015; PubMed 29363216.